The following is an entry in ClinVar:

ClinVar aggregate classification (germline): Uncertain significance (1 of 4 stars; one submission).

Allele frequency attached by ClinVar (database versions not stated): gnomAD exomes 0.00001; TOPMed 0.00001.
gnomAD v4.1: 11 of 1,205,525 alleles (0.00091%); highest among the groups gnomAD compares: Non-Finnish European, 0.0012%; no homozygotes.

Submission:

GeneDx
Classification: Uncertain significance. Last evaluated: 2024-03-30. Review status: criteria provided, single submitter. Criteria: GeneDx Variant Classification Process June 2021. Collection method: clinical testing. Allele origin: germline. Affected: yes.
Comment: In silico analysis supports that this missense variant has a deleterious effect on protein structure/function; Missense variants in this gene are a common cause of disease and they are underrepresented in the general population; Not observed at significant frequency in large population cohorts (gnomAD); Has not been previously published as pathogenic or benign to our knowledge; This variant is associated with the following publications: (PMID: 26432019)

NM_003334.4(UBA1):c.1651C>T (p.Arg551Cys)

Gene: UBA1 (ubiquitin like modifier activating enzyme 1; plus strand). Cytogenetic location: Xp11.3.
Variant type: single nucleotide variant.
Coding change: c.1651C>T on transcript NM_003334.4 (MANE Select); coding-DNA position 1651, C replaced by T.
Protein change: p.Arg551Cys; replaces arginine 551 with cysteine.
Molecular consequence: missense variant.
Genome position (GRCh38, 1-based): chrX:47,206,023, C>T. VCF-style: chrX-47206023-C-T. GRCh37 (hg19) VCF-style: chrX-47065422-C-T.
Other names: c.1651C>T, p.Arg551Cys (NM_153280.3); short protein forms R551C.
Identifiers: ClinVar variation 3253481 (VCV003253481.1), dbSNP rs1556790814.
Genomic context (GRCh38, chrX:47,206,023, plus strand): 5'-ACGGCTGCTGCAGCTGTGCGCCAAATGAATCCACATATCCGGGTGACAAGCCACCAGAAC[C>T]GTGTGGGTCCTGACACGGAGCGCATCTATGATGACGATTTTTTCCAAAACCTAGATGGCG-3'
Protein context (NP_003325.2, residues 541-561): PHIRVTSHQN[Arg551Cys]VGPDTERIYD